The following is an entry in ClinVar:

ClinVar aggregate classification (germline): Uncertain significance. Review status: criteria provided, multiple submitters, no conflicts (2 of 4 stars). 4 submissions from 4 submitters: Uncertain significance (3). 1 of the submissions does not count toward it. Last evaluated 2024-03-19.

Conditions:
Bloom syndrome (BLM). Also called: Bloom-Torre-Machacek syndrome. Identifiers: Orphanet 125, MedGen C0005859, MONDO:0008876, OMIM 210900.
Hereditary cancer-predisposing syndrome. Also called: Tumor predisposition; Hereditary neoplastic syndrome; Neoplastic Syndromes, Hereditary; Hereditary Cancer Syndrome. Identifiers: Orphanet 140162, MedGen C0027672, MeSH D009386, MONDO:0015356.

Submissions (4):

Labcorp Genetics (formerly Invitae), Labcorp
Classification: Uncertain significance for Bloom syndrome. Last evaluated: 2024-03-19. Review status: criteria provided, single submitter. Criteria: Invitae Variant Classification Sherloc (09022015). Collection method: clinical testing. Allele origin: germline.
Comment: This sequence change replaces glycine, which is neutral and non-polar, with glutamic acid, which is acidic and polar, at codon 397 of the BLM protein (p.Gly397Glu). This variant is not present in population databases (gnomAD no frequency). This variant has not been reported in the literature in individuals affected with BLM-related conditions. ClinVar contains an entry for this variant (Variation ID: 818550). Advanced modeling of protein sequence and biophysical properties (such as structural, functional, and spatial information, amino acid conservation, physicochemical variation, residue mobility, and thermodynamic stability) performed at Invitae indicates that this missense variant is not expected to disrupt BLM protein function with a negative predictive value of 80%. In summary, the available evidence is currently insufficient to determine the role of this variant in disease. Therefore, it has been classified as a Variant of Uncertain Significance.

Revvity Omics, Revvity
Classification: Uncertain significance for Bloom syndrome. Last evaluated: 2024-02-05. Review status: criteria provided, single submitter. Criteria: ACMG Guidelines, 2015. Collection method: clinical testing. Allele origin: germline.

Ambry Genetics
Classification: Uncertain significance for Hereditary cancer-predisposing syndrome. Last evaluated: 2024-01-27. Review status: criteria provided, single submitter. Criteria: Ambry Variant Classification Scheme 2023. Collection method: clinical testing. Allele origin: germline.
Comment: The p.G397E variant (also known as c.1190G>A), located in coding exon 5 of the BLM gene, results from a G to A substitution at nucleotide position 1190. The glycine at codon 397 is replaced by glutamic acid, an amino acid with similar properties. This amino acid position is well conserved in available vertebrate species. In addition, this alteration is predicted to be deleterious by in silico analysis. Since supporting evidence is limited at this time, the clinical significance of this alteration remains unclear.

Natera, Inc.
Classification: Uncertain significance for Bloom syndrome. Last evaluated: 2021-07-09. Review status: no assertion criteria provided. Collection method: clinical testing. Allele origin: germline. Not counted in ClinVar's aggregate classification.

NM_000057.4(BLM):c.1190G>A (p.Gly397Glu)

Gene: BLM (BLM RecQ like helicase; plus strand). Cytogenetic location: 15q26.1.
Variant type: single nucleotide variant.
Coding change: c.1190G>A on transcript NM_000057.4 (MANE Select); coding-DNA position 1190, G replaced by A.
Protein change: p.Gly397Glu; replaces glycine 397 with glutamic acid.
Molecular consequence: missense variant.
Genome position (GRCh38, 1-based): chr15:90,760,249, G>A. VCF-style: chr15-90760249-G-A. GRCh37 (hg19) VCF-style: chr15-91303479-G-A.
Other names: c.1190G>A, p.Gly397Glu (NM_001287246.2, NM_001287247.2); c.65G>A, p.Gly22Glu (NM_001287248.2); short protein forms G22E, G397E.
Identifiers: ClinVar variation 818550 (VCV000818550.18), dbSNP rs1596228978, ClinGen allele CA393842514.
Genomic context (GRCh38, chr15:90,760,249, plus strand): 5'-AGCACATCTGTAAATTAATTGATACTATTCCTGATGATAAACTGAAACTTTTGGATTGTG[G>A]GAACGAACTGCTTCAGCAGCGGAACATAAGGTATCTTAATTTTCCCCCTTCTGGAATATA-3'
Protein context (NP_000048.1, residues 387-407): PDDKLKLLDC[Gly397Glu]NELLQQRNIR